The following is an entry in ClinVar:

NM_001204077.2(UBE4A):c.217C>T (p.Arg73Ter)

Gene: UBE4A (ubiquitination factor E4A; plus strand). Cytogenetic location: 11q23.3.
Variant type: single nucleotide variant.
Coding change: c.217C>T on transcript NM_001204077.2 (MANE Select); coding-DNA position 217, C replaced by T.
Protein change: p.Arg73Ter; replaces arginine 73 with a stop codon.
Molecular consequence: nonsense.
Genome position (GRCh38, 1-based): chr11:118,368,726, C>T. VCF-style: chr11-118368726-C-T. GRCh37 (hg19) VCF-style: chr11-118239441-C-T.
Other names: c.217C>T, p.Arg73Ter (NM_004788.4); short protein forms R73*.
Identifiers: ClinVar variation 2505262 (VCV002505262.1), dbSNP rs2496943725, ClinGen allele CA382782969.

ClinVar aggregate classification (germline): Likely pathogenic (1 of 4 stars; one submission).

Conditions:
Neurodevelopmental disorder with hypotonia and gross motor and speech delay. Identifiers: MedGen C5562031, MONDO:0859207, OMIM 619639.

Allele frequency attached by ClinVar (database versions not stated): gnomAD exomes below 0.00001.
gnomAD v4.1: 7 of 1,614,162 alleles (0.00043%); highest among the groups gnomAD compares: Non-Finnish European, 0.00059%; no homozygotes.

Submission:

Greenwood Genetic Center Diagnostic Laboratories, Greenwood Genetic Center
Classification: Likely pathogenic for Neurodevelopmental disorder with hypotonia and gross motor and speech delay. Last evaluated: 2023-02-02. Review status: criteria provided, single submitter. Criteria: ACMG Guidelines, 2015. Collection method: clinical testing. Allele origin: germline. Affected: yes.
Comment: PVS1, PM2